The following is an entry in ClinVar:

NM_032634.4(PIGO):c.1607A>G (p.Lys536Arg)

Gene: PIGO (phosphatidylinositol glycan anchor biosynthesis class O; minus strand). Cytogenetic location: 9p13.3.
Variant type: single nucleotide variant.
Coding change: c.1607A>G on transcript NM_032634.4 (MANE Select); coding-DNA position 1607, A replaced by G.
Protein change: p.Lys536Arg; replaces lysine 536 with arginine.
Molecular consequence: missense variant. On other transcripts: intron variant (2).
Genome position (GRCh38, 1-based): chr9:35,092,280, T>C on the plus strand (A>G on the coding strand, the complement: PIGO is on the minus strand). VCF-style: chr9-35092280-T-C. GRCh37 (hg19) VCF-style: chr9-35092277-T-C.
Other names: c.1344+263A>G (NM_152850.4, NM_001201484.2); c.1607A>G (NM_032634.3); short protein forms K536R.
Identifiers: ClinVar variation 1470536 (VCV001470536.7), dbSNP rs559748160, ClinGen allele CA5040603.

ClinVar aggregate classification (germline): Conflicting classifications of pathogenicity. Review status: criteria provided, conflicting classifications (1 of 4 stars). 2 submissions from 2 submitters: Uncertain significance (1); Likely benign (1). Last evaluated 2022-08-17.

Conditions:
Hyperphosphatasia with impaired intellectual development syndrome 2. Also called: Hyperphosphatasia with intellectual disability syndrome 2; GLYCOSYLPHOSPHATIDYLINOSITOL BIOSYNTHESIS DEFECT 6. Identifiers: Orphanet 247262, MedGen C3553637, MONDO:0013882, OMIM 614749.
Inborn genetic diseases. Identifiers: MedGen C0950123, MeSH D030342.

Allele frequency attached by ClinVar (database versions not stated): gnomAD exomes below 0.00001 and 0.00001; ExAC 0.00001; TOPMed 0.00002; 1000 Genomes Project 0.00020; gnomAD 0.00001 and 0.00003; 1000 Genomes Project 30x 0.00031.
gnomAD v4.1: 14 of 1,614,190 alleles (0.00087%); highest among the groups gnomAD compares: East Asian, 0.0067%; no homozygotes.

Submissions (2):

Ambry Genetics
Classification: Likely benign for Inborn genetic diseases. Last evaluated: 2022-08-17. Review status: criteria provided, single submitter. Criteria: Ambry Variant Classification Scheme 2023. Collection method: clinical testing. Allele origin: germline.

Labcorp Genetics (formerly Invitae), Labcorp
Classification: Uncertain significance for Hyperphosphatasia with impaired intellectual development syndrome 2. Last evaluated: 2022-06-05. Review status: criteria provided, single submitter. Criteria: Invitae Variant Classification Sherloc (09022015). Collection method: clinical testing. Allele origin: germline.
Comment: In summary, the available evidence is currently insufficient to determine the role of this variant in disease. Therefore, it has been classified as a Variant of Uncertain Significance. Algorithms developed to predict the effect of sequence changes on RNA splicing suggest that this variant may create or strengthen a splice site. Algorithms developed to predict the effect of missense changes on protein structure and function output the following: SIFT: "Tolerated"; PolyPhen-2: "Benign"; Align-GVGD: "Class C0". The arginine amino acid residue is found in multiple mammalian species, which suggests that this missense change does not adversely affect protein function. ClinVar contains an entry for this variant (Variation ID: 1470536). This variant has not been reported in the literature in individuals affected with PIGO-related conditions. This variant is present in population databases (rs559748160, gnomAD 0.003%). This sequence change replaces lysine, which is basic and polar, with arginine, which is basic and polar, at codon 536 of the PIGO protein (p.Lys536Arg).